The following is an entry in ClinVar:

ClinVar aggregate classification (germline): Uncertain significance. Review status: criteria provided, multiple submitters, no conflicts (2 of 4 stars). 6 submissions from 6 submitters: Uncertain significance (5). 1 of the submissions does not count toward it. Last evaluated 2026-03-09.

Conditions:
Bardet-Biedl syndrome 14 (BBS14). Identifiers: Orphanet 110, MedGen C2673874, MONDO:0014442, OMIM 615991.
Joubert syndrome 5 (JBTS5). Identifiers: Orphanet 2318, MedGen C1857780, MONDO:0012432, OMIM 610188.
Senior-Loken syndrome 6 (SLSN6). Identifiers: Orphanet 3156, MedGen C1857779, MONDO:0012433, OMIM 610189.
Meckel syndrome, type 4 (MKS4). Also called: MECKEL-GRUBER SYNDROME, TYPE 4. Identifiers: Orphanet 564, MedGen C1970161, MONDO:0012626, OMIM 611134.
Leber congenital amaurosis 10 (LCA10). Identifiers: Orphanet 65, MedGen C1857821, MONDO:0012723, OMIM 611755.
CEP290-related disorder. Also called: CEP290-related condition; CEP290-related disorders. Identifiers: MedGen CN239314.
Leber congenital amaurosis (LCA). Also called: Leber's amaurosis. Identifiers: Orphanet 65, MedGen C0339527, MeSH D057130, MONDO:0018998.
Nephronophthisis. Also called: Juvenile Nephronophthisis. Identifiers: Orphanet 655, MedGen C0687120, MONDO:0019005, HP:0000090.
Meckel-Gruber syndrome. Also called: GRUBER SYNDROME; Dysencephalia splachnocystica; DYSENCEPHALIA SPLANCHNOCYSTICA. Identifiers: Orphanet 564, MedGen C0265215, MONDO:0018921.
Joubert syndrome. Also called: Familial aplasia of the vermis; JOUBERT-BOLTSHAUSER SYNDROME. Identifiers: Orphanet 475, MedGen C5979921, MONDO:0018772.

Allele frequency attached by ClinVar (database versions not stated): ExAC 0.00003; TOPMed 0.00006.
gnomAD v4.1: 17 of 1,604,088 alleles (0.0011%); highest among the groups gnomAD compares: Admixed American, 0.0051%; no homozygotes.

Submissions (6):

PreventionGenetics, part of Exact Sciences
Classification: Uncertain significance for CEP290-related condition. Last evaluated: 2026-03-09. Review status: criteria provided, single submitter. Criteria: ACMG Guidelines, 2015. Collection method: clinical testing. Allele origin: germline.
Comment: The CEP290 c.5777G>A variant is predicted to result in the amino acid substitution p.Arg1926Gln. To our knowledge this variant has not been reported in the literature. This variant is reported in 0.0031% of alleles in individuals of Latino descent in gnomAD. An alternate missense at the same amino acid position (p.Arg1926Pro) has been reported in individuals with Leber congenital amaurosis (Sallum et al. 2020. PubMed ID: 32865313; Sheck et al. 2018. PubMed ID: 29398085; Wiszniewski et al. 2010. PubMed ID: 21153841). Although we suspect this variant may be pathogenic, the clinical significance of this variant is uncertain due to the absence of conclusive functional and genetic evidence.

GeneDx
Classification: Uncertain significance. Last evaluated: 2025-07-10. Review status: criteria provided, single submitter. Criteria: GeneDx Variant Classification Process June 2021. Collection method: clinical testing. Allele origin: germline. Affected: yes.
Comment: Not observed at significant frequency in large population cohorts (gnomAD); In silico analysis suggests that this missense variant does not alter protein structure/function; Has not been previously published as pathogenic or benign to our knowledge

Labcorp Genetics (formerly Invitae), Labcorp
Classification: Uncertain significance for Joubert syndrome; Meckel-Gruber syndrome; Nephronophthisis. Last evaluated: 2022-06-14. Review status: criteria provided, single submitter. Criteria: Invitae Variant Classification Sherloc (09022015). Collection method: clinical testing. Allele origin: germline.
Comment: This sequence change replaces arginine, which is basic and polar, with glutamine, which is neutral and polar, at codon 1926 of the CEP290 protein (p.Arg1926Gln). This variant is present in population databases (rs778030031, gnomAD 0.003%). This variant has not been reported in the literature in individuals affected with CEP290-related conditions. ClinVar contains an entry for this variant (Variation ID: 990683). Algorithms developed to predict the effect of missense changes on protein structure and function are either unavailable or do not agree on the potential impact of this missense change (SIFT: "Deleterious"; PolyPhen-2: "Probably Damaging"; Align-GVGD: "Class C0"). This variant disrupts the p.Arg1926 amino acid residue in CEP290. Other variant(s) that disrupt this residue have been determined to be pathogenic (PMID: 21153841, 29398085, 31630094, 32865313). This suggests that this residue is clinically significant, and that variants that disrupt this residue are likely to be disease-causing. In summary, the available evidence is currently insufficient to determine the role of this variant in disease. Therefore, it has been classified as a Variant of Uncertain Significance.

Fulgent Genetics
Classification: Uncertain significance for Joubert syndrome 5; Senior-Loken syndrome 6; Meckel syndrome, type 4; Leber congenital amaurosis 10; Bardet-Biedl syndrome 14. Last evaluated: 2021-12-03. Review status: criteria provided, single submitter. Criteria: ACMG Guidelines, 2015. Collection method: clinical testing. Allele origin: unknown.

Blueprint Genetics
Classification: Uncertain significance. Last evaluated: 2019-04-05. Review status: criteria provided, single submitter. Criteria: ACMG Guidelines, 2015. Collection method: clinical testing. Allele origin: germline.

Natera, Inc.
Classification: Uncertain significance for Leber congenital amaurosis. Last evaluated: 2020-04-17. Review status: no assertion criteria provided. Collection method: clinical testing. Allele origin: germline. Not counted in ClinVar's aggregate classification.

Literature cited by the submitters: PubMed 21153841 (cited by Labcorp Genetics (formerly Invitae), Labcorp); PubMed 29398085 (cited by Labcorp Genetics (formerly Invitae), Labcorp); PubMed 31630094 (cited by Labcorp Genetics (formerly Invitae), Labcorp); PubMed 32865313 (cited by Labcorp Genetics (formerly Invitae), Labcorp).

NM_025114.4(CEP290):c.5777G>A (p.Arg1926Gln)

Gene: CEP290 (centrosomal protein 290; minus strand). Cytogenetic location: 12q21.32.
Variant type: single nucleotide variant.
Coding change: c.5777G>A on transcript NM_025114.4 (MANE Select); coding-DNA position 5777, G replaced by A.
Protein change: p.Arg1926Gln; replaces arginine 1926 with glutamine.
Molecular consequence: missense variant.
Genome position (GRCh38, 1-based): chr12:88,071,859, C>T on the plus strand (G>A on the coding strand, the complement: CEP290 is on the minus strand). VCF-style: chr12-88071859-C-T. GRCh37 (hg19) VCF-style: chr12-88465636-C-T.
Other names: c.5777G>A (NM_025114.3); short protein forms R1926Q.
Identifiers: ClinVar variation 990683 (VCV000990683.11), dbSNP rs778030031, ClinGen allele CA6711644.